The following is an entry in ClinVar:

ClinVar aggregate classification (germline): Pathogenic (1 of 4 stars; one submission).

Submission:

Labcorp Genetics (formerly Invitae), Labcorp
Classification: Pathogenic. Last evaluated: 2025-08-17. Review status: criteria provided, single submitter. Criteria: Invitae Variant Classification Sherloc (09022015). Collection method: clinical testing. Allele origin: germline.
Comment: This sequence change creates a premature translational stop signal (p.Val1689Argfs*52) in the ANK1 gene. It is expected to result in an absent or disrupted protein product. Loss-of-function variants in ANK1 are known to be pathogenic (PMID: 8640229). This variant is not present in population databases (gnomAD no frequency). This variant has not been reported in the literature in individuals affected with ANK1-related conditions. For these reasons, this variant has been classified as Pathogenic.

Literature cited by the submitters: PubMed 8640229.

NM_000037.4(ANK1):c.5064dup (p.Val1689fs)

Gene: ANK1 (ankyrin 1; minus strand). Cytogenetic location: 8p11.21.
Variant type: Duplication.
Coding change: c.5064dup on transcript NM_000037.4 (MANE Select); coding-DNA position 5064, one base duplicated (C; older notation c.5064dupC).
Protein change: p.Val1689fs; shifts the reading frame from valine 1689.
Molecular consequence: frameshift variant.
Genome position (GRCh38, 1-based): chr8:41,672,386, G duplicated on the plus strand (C on the coding strand, the reverse complement: ANK1 is on the minus strand); the first of 2 consecutive G bases (chr8:41,672,386-41,672,387); duplicating either gives the same sequence. VCF-style (leftmost placement, unchanged base first): chr8-41672385-C-CG. GRCh37 (hg19) VCF-style: chr8-41529903-C-CG.
Other names: c.5187dup, p.Val1730fs (NM_001142446.2); c.5064dup, p.Val1689fs (NM_020475.3, NM_020476.3); c.4578dup, p.Val1527fs (NM_020477.3); short protein forms V1527fs, V1730fs, V1689fs.
Identifiers: ClinVar variation 4722569 (VCV004722569.1).
Genomic context (GRCh38, chr8:41,672,385, plus strand): 5'-GGACCCTGCTCCCACAGTCAAGCTCTTACCTGTCCTGACTCCTCTCCGTCACCTGACTCA[C>CG]GGTGGGGGAATGTGTGATTCGGGCTTGCCCCCTCTGATGGCCTGAAACAAGAGACACTTC-3'